The following is an entry in ClinVar:

ClinVar aggregate classification (germline): Uncertain significance (1 of 4 stars; one submission).

Conditions:
Neurofibromatosis, type 1 (NF1). Also called: Peripheral type neurofibromatosis; VON RECKLINGHAUSEN DISEASE; Neurofibromatosis, type I; NEUROFIBROMATOSIS, TYPE I, SOMATIC. Identifiers: Orphanet 636, MedGen C0027831, MONDO:0018975, OMIM 162200. Disease mechanism: loss of function.

Submission:

Labcorp Genetics (formerly Invitae), Labcorp
Classification: Uncertain significance for Neurofibromatosis, type 1. Last evaluated: 2023-11-09. Review status: criteria provided, single submitter. Criteria: Invitae Variant Classification Sherloc (09022015). Collection method: clinical testing. Allele origin: germline.
Comment: This sequence change replaces histidine, which is basic and polar, with arginine, which is basic and polar, at codon 448 of the NF1 protein (p.His448Arg). This variant is not present in population databases (gnomAD no frequency). This variant has not been reported in the literature in individuals affected with NF1-related conditions. Advanced modeling of protein sequence and biophysical properties (such as structural, functional, and spatial information, amino acid conservation, physicochemical variation, residue mobility, and thermodynamic stability) performed at Invitae indicates that this missense variant is not expected to disrupt NF1 protein function with a negative predictive value of 95%. In summary, the available evidence is currently insufficient to determine the role of this variant in disease. Therefore, it has been classified as a Variant of Uncertain Significance.

NM_001042492.3(NF1):c.1343A>G (p.His448Arg)

Gene: NF1 (neurofibromin 1; plus strand). Cytogenetic location: 17q11.2.
Variant type: single nucleotide variant.
Coding change: c.1343A>G on transcript NM_001042492.3 (MANE Select); coding-DNA position 1343, A replaced by G.
Protein change: p.His448Arg; replaces histidine 448 with arginine.
Molecular consequence: missense variant.
Genome position (GRCh38, 1-based): chr17:31,206,322, A>G. VCF-style: chr17-31206322-A-G. GRCh37 (hg19) VCF-style: chr17-29533340-A-G.
Other names: c.1343A>G, p.His448Arg (NM_000267.4, NM_001128147.3); short protein forms H448R.
Identifiers: ClinVar variation 2694480 (VCV002694480.3), dbSNP rs2143914743, ClinGen allele CA398999578.